The following is an entry in ClinVar:

ClinVar aggregate classification (germline): Pathogenic. Review status: criteria provided, multiple submitters, no conflicts (2 of 4 stars). 7 submissions from 7 submitters: Pathogenic (5). 2 of the submissions do not count toward it. Last evaluated 2025-12-19.

Conditions:
GRN-related disorder. Also called: GRN-related disorders; GRN-related condition.
GRN-related frontotemporal lobar degeneration with Tdp43 inclusions (FTD2). Also called: DEMENTIA, HEREDITARY DYSPHASIC DISINHIBITION; FRONTOTEMPORAL LOBAR DEGENERATION WITH UBIQUITIN-POSITIVE INCLUSIONS; FTLD-TDP, GRN-RELATED; FRONTOTEMPORAL DEMENTIA WITH TDP43 INCLUSIONS, GRN-RELATED; GRN Frontotemporal Dementia. Identifiers: Orphanet 100070, Orphanet 282, MedGen C1843792, MONDO:0011842, OMIM 607485. Disease mechanism: loss of function.
Neuronal ceroid lipofuscinosis 11. Also called: GRN-Related Neuronal Ceroid-Lipofuscinosis. Identifiers: Orphanet 314629, Orphanet 79262, MedGen C3539123, MONDO:0013866, OMIM 614706.

Submissions (7):

GeneDx
Classification: Pathogenic. Last evaluated: 2025-12-19. Review status: criteria provided, single submitter. Criteria: GeneDx Variant Classification Process June 2021. Collection method: clinical testing. Allele origin: germline. Affected: yes.
Comment: Not observed at significant frequency in large population cohorts (gnomAD); Frameshift variant predicted to result in protein truncation or nonsense mediated decay in a gene for which loss of function is a known mechanism of disease; This variant is associated with the following publications: (PMID: 30599136, 28915852, 23742080, 19012866, 34162492, 21569259, 18855025, 16950801, 31361008, 31600775, 21753165, 40655089)

Labcorp Genetics (formerly Invitae), Labcorp
Classification: Pathogenic for Neuronal ceroid lipofuscinosis 11; GRN-related frontotemporal lobar degeneration with Tdp43 inclusions. Last evaluated: 2025-12-03. Review status: criteria provided, single submitter. Criteria: Invitae Variant Classification Sherloc (09022015). Collection method: clinical testing. Allele origin: germline.
Comment: This sequence change creates a premature translational stop signal (p.Gly35Glufs*19) in the GRN gene. It is expected to result in an absent or disrupted protein product. Loss-of-function variants in GRN are known to be pathogenic (PMID: 16862116, 16950801, 22608501). This variant is not present in population databases (gnomAD no frequency). This premature translational stop signal has been observed in individual(s) with frontotemporal lobar degeneration (PMID: 16950801, 21569259). ClinVar contains an entry for this variant (Variation ID: 98125). For these reasons, this variant has been classified as Pathogenic.

Institute of Medical Genetics and Applied Genomics, University Hospital Tübingen
Classification: Pathogenic for GRN-related frontotemporal lobar degeneration with Tdp43 inclusions. Last evaluated: 2024-12-20. Review status: criteria provided, single submitter. Criteria: ACMG Guidelines, 2015. Collection method: clinical testing. Allele origin: germline. Inheritance: Autosomal dominant inheritance. Affected: yes.

Athena Diagnostics
Classification: Pathogenic. Last evaluated: 2022-08-25. Review status: criteria provided, single submitter. Criteria: Athena Diagnostics Criteria. Collection method: clinical testing. Allele origin: unknown.
Comment: This variant is expected to result in the loss of a functional protein. The frequency of this variant in the general population is consistent with pathogenicity. This variant has been identified in at least one individual with clinical features associated with FTLD-TDP.

Blueprint Genetics
Classification: Pathogenic for GRN-related disorders. Last evaluated: 2018-04-24. Review status: criteria provided, single submitter. Criteria: ACMG Guidelines, 2015. Collection method: clinical testing. Allele origin: germline. Affected: yes. Observed: 1 variant allele.

OMIM
Classification: Pathogenic for FRONTOTEMPORAL DEMENTIA 2. Last evaluated: 2009-02-01. Review status: no assertion criteria provided. Collection method: literature only. Allele origin: germline. Not counted in ClinVar's aggregate classification.

VIB  Department of Molecular Genetics, University of Antwerp
No classification provided. Review status: no classification provided. Collection method: not provided. Allele origin: not provided. Not counted in ClinVar's aggregate classification.

Literature cited by the submitters: PubMed 16862116 (cited by Labcorp Genetics (formerly Invitae), Labcorp); PubMed 16950801 (cited by Labcorp Genetics (formerly Invitae), Labcorp and Athena Diagnostics); PubMed 22608501 (cited by Labcorp Genetics (formerly Invitae), Labcorp); PubMed 21569259 (cited by Labcorp Genetics (formerly Invitae), Labcorp and Athena Diagnostics); PubMed 21753165 (cited by Athena Diagnostics); PubMed 34162492 (cited by Athena Diagnostics); PubMed 31361008 (cited by Athena Diagnostics); PubMed 31600775 (cited by Athena Diagnostics); PubMed 19012866 (cited by Athena Diagnostics); PubMed 9152110 (cited by Athena Diagnostics and OMIM); PubMed 18855025 (cited by OMIM); PubMed 9259373 (cited by OMIM).

NM_002087.4(GRN):c.102del (p.Gly35fs)

Genes: GRN (granulin precursor; plus strand), FAM171A2 (family with sequence similarity 171 member A2; minus strand). Cytogenetic location: 17q21.31.
Variant type: Deletion.
Coding change: c.102del on transcript NM_002087.4 (MANE Select); coding-DNA position 102, one base deleted (C; older notation c.102delC).
Protein change: p.Gly35fs; shifts the reading frame from glycine 35.
Molecular consequence: frameshift variant.
Genome position (GRCh38, 1-based): chr17:44,349,266, C deleted; the last of 4 consecutive C bases (chr17:44,349,263-44,349,266); deleting any one gives the same sequence. VCF-style (leftmost placement, unchanged base first): chr17-44349262-AC-A. GRCh37 (hg19) VCF-style: chr17-42426630-AC-A.
Other names: c.102delC (NM_002087.2); short protein forms G35fs.
Identifiers: ClinVar variation 98125 (VCV000098125.18), dbSNP rs63751073, ClinGen allele CA225212.